The following is an entry in ClinVar:

NM_001903.5(CTNNA1):c.1693C>T (p.Pro565Ser)

Gene: CTNNA1 (catenin alpha 1; plus strand). Cytogenetic location: 5q31.2.
Variant type: single nucleotide variant.
Coding change: c.1693C>T on transcript NM_001903.5 (MANE Select); coding-DNA position 1693, C replaced by T.
Protein change: p.Pro565Ser; replaces proline 565 with serine.
Molecular consequence: missense variant.
Genome position (GRCh38, 1-based): chr5:138,924,656, C>T. VCF-style: chr5-138924656-C-T. GRCh37 (hg19) VCF-style: chr5-138260345-C-T.
Other names: c.1693C>T, p.Pro565Ser (NM_001290307.3, NM_001323982.2, NM_001323983.1 and 2 more transcripts); c.1384C>T, p.Pro462Ser (NM_001290309.3); c.1324C>T, p.Pro442Ser (NM_001290310.3); c.583C>T, p.Pro195Ser (NM_001290312.1, NM_001323987.1, NM_001323988.1 and 17 more transcripts); c.1600C>T, p.Pro534Ser (NM_001323986.2); c.244C>T, p.Pro82Ser (NM_001324006.1, NM_001324007.1, NM_001324008.1 and 2 more transcripts); c.490C>T, p.Pro164Ser (NM_001324011.1); c.340C>T, p.Pro114Ser (NM_001324012.1, NM_001324013.1); short protein forms P534S, P565S, P82S, P114S, P164S, P442S, P195S, P462S.
Identifiers: ClinVar variation 819861 (VCV000819861.15), dbSNP rs1335939570, ClinGen allele CA361131991.

ClinVar aggregate classification (germline): Uncertain significance. Review status: criteria provided, multiple submitters, no conflicts (2 of 4 stars). 2 submissions from 2 submitters: Uncertain significance (2). Last evaluated 2025-04-17.

Conditions:
Hereditary cancer-predisposing syndrome. Also called: Neoplastic Syndromes, Hereditary; Tumor predisposition; Hereditary Cancer Syndrome; Hereditary neoplastic syndrome. Identifiers: Orphanet 140162, MedGen C0027672, MeSH D009386, MONDO:0015356.

Allele frequency attached by ClinVar (database versions not stated): gnomAD exomes below 0.00001 and 0.00001.
gnomAD v4.1: 2 of 1,607,724 alleles (0.00012%); highest among the groups gnomAD compares: East Asian, 0.0045%; no homozygotes.

Submissions (2):

Ambry Genetics
Classification: Uncertain significance for Hereditary cancer-predisposing syndrome. Last evaluated: 2025-04-17. Review status: criteria provided, single submitter. Criteria: Ambry Variant Classification Scheme 2023. Collection method: clinical testing. Allele origin: germline.
Comment: The p.P565S variant (also known as c.1693C>T), located in coding exon 11 of the CTNNA1 gene, results from a C to T substitution at nucleotide position 1693. The proline at codon 565 is replaced by serine, an amino acid with similar properties. This amino acid position is highly conserved in available vertebrate species. In addition, the in silico prediction for this alteration is inconclusive. Since supporting evidence is limited at this time, the clinical significance of this alteration remains unclear.

Labcorp Genetics (formerly Invitae), Labcorp
Classification: Uncertain significance. Last evaluated: 2025-03-26. Review status: criteria provided, single submitter. Criteria: Invitae Variant Classification Sherloc (09022015). Collection method: clinical testing. Allele origin: germline.
Comment: This sequence change replaces proline, which is neutral and non-polar, with serine, which is neutral and polar, at codon 565 of the CTNNA1 protein (p.Pro565Ser). This variant is present in population databases (no rsID available, gnomAD 0.01%). This variant has not been reported in the literature in individuals affected with CTNNA1-related conditions. ClinVar contains an entry for this variant (Variation ID: 819861). Invitae Evidence Modeling of protein sequence and biophysical properties (such as structural, functional, and spatial information, amino acid conservation, physicochemical variation, residue mobility, and thermodynamic stability) indicates that this missense variant is not expected to disrupt CTNNA1 protein function with a negative predictive value of 80%. In summary, the available evidence is currently insufficient to determine the role of this variant in disease. Therefore, it has been classified as a Variant of Uncertain Significance.